The following is an entry in ClinVar:

ClinVar aggregate classification (germline): Uncertain significance. Review status: criteria provided, multiple submitters, no conflicts (2 of 4 stars). 2 submissions from 2 submitters: Uncertain significance (2). Last evaluated 2022-01-03.

Conditions:
POLG-related disorder. Also called: POLG-Related Spectrum Disorders; POLG-related condition; POLG-Related Disorders. Identifiers: MedGen C4763519.
Progressive sclerosing poliodystrophy (MTDPS4A). Also called: Mitochondrial DNA Depletion Syndrome 4A; Alpers-Huttenlocher Syndrome (AHS); ALPERS PROGRESSIVE INFANTILE POLIODYSTROPHY; NEURONAL DEGENERATION OF CHILDHOOD WITH LIVER DISEASE, PROGRESSIVE; Mitochondrial DNA depletion syndrome 4A (Alpers type); Alpers Syndrome. Identifiers: Orphanet 726, MedGen C0205710, MONDO:0008758, OMIM 203700.

Allele frequency attached by ClinVar (database versions not stated): gnomAD exomes below 0.00001.
gnomAD v4.1: 2 of 1,614,102 alleles (0.00012%); highest among the groups gnomAD compares: Non-Finnish European, 0.00017%; no homozygotes.

Submissions (2):

Labcorp Genetics (formerly Invitae), Labcorp
Classification: Uncertain significance for Progressive sclerosing poliodystrophy. Last evaluated: 2022-01-03. Review status: criteria provided, single submitter. Criteria: Invitae Variant Classification Sherloc (09022015). Collection method: clinical testing. Allele origin: germline.
Comment: This sequence change falls in intron 5 of the POLG gene. It does not directly change the encoded amino acid sequence of the POLG protein. It affects a nucleotide within the consensus splice site. This variant is present in population databases (rs749250690, gnomAD 0.0009%). This variant has not been reported in the literature in individuals affected with POLG-related conditions. ClinVar contains an entry for this variant (Variation ID: 317334). Variants that disrupt the consensus splice site are a relatively common cause of aberrant splicing (PMID: 17576681, 9536098). Algorithms developed to predict the effect of sequence changes on RNA splicing suggest that this variant is not likely to affect RNA splicing. In summary, the available evidence is currently insufficient to determine the role of this variant in disease. Therefore, it has been classified as a Variant of Uncertain Significance.

Illumina Laboratory Services, Illumina
Classification: Uncertain significance for POLG-Related Spectrum Disorders. Last evaluated: 2018-01-13. Review status: criteria provided, single submitter. Criteria: ICSL Variant Classification Criteria 13 December 2019. Collection method: clinical testing. Allele origin: germline.

Literature cited by the submitters: PubMed 17576681 (cited by Labcorp Genetics (formerly Invitae), Labcorp); PubMed 9536098 (cited by Labcorp Genetics (formerly Invitae), Labcorp).

NM_002693.3(POLG):c.1170+6G>A

Gene: POLG (DNA polymerase gamma, catalytic subunit; minus strand). Cytogenetic location: 15q26.1.
Variant type: single nucleotide variant.
Coding change: c.1170+6G>A on transcript NM_002693.3 (MANE Select); 6 bases into the intron after coding-DNA position 1170, G replaced by A.
Molecular consequence: intron variant.
Genome position (GRCh38, 1-based): chr15:89,328,679, C>T on the plus strand (G>A on the coding strand, the complement: POLG is on the minus strand). VCF-style: chr15-89328679-C-T. GRCh37 (hg19) VCF-style: chr15-89871910-C-T.
Other names: c.1170+6G>A (NM_001126131.2).
Identifiers: ClinVar variation 317334 (VCV000317334.7), dbSNP rs749250690, ClinGen allele CA7724942.